The following is an entry in ClinVar:

ClinVar aggregate classification (germline): Uncertain significance (1 of 4 stars; one submission).

Conditions:
Inborn genetic diseases. Identifiers: MedGen C0950123, MeSH D030342.

Submission:

Ambry Genetics
Classification: Uncertain significance for Inborn genetic diseases. Last evaluated: 2025-12-28. Review status: criteria provided, single submitter. Criteria: Ambry Variant Classification Scheme 2023. Collection method: clinical testing. Allele origin: germline.
Comment: The p.D180G variant (also known as c.539A>G), located in coding exon 3 of the KDM1A gene, results from an A to G substitution at nucleotide position 539. The aspartic acid at codon 180 is replaced by glycine, an amino acid with similar properties. This amino acid position is conserved. In addition, this alteration is predicted to be tolerated by in silico analysis. Based on the available evidence, the clinical significance of this variant remains unclear.

NM_001009999.3(KDM1A):c.539A>G (p.Asp180Gly)

Gene: KDM1A (lysine demethylase 1A; plus strand). Cytogenetic location: 1p36.12.
Variant type: single nucleotide variant.
Coding change: c.539A>G on transcript NM_001009999.3 (MANE Select); coding-DNA position 539, A replaced by G.
Protein change: p.Asp180Gly; replaces aspartic acid 180 with glycine.
Molecular consequence: missense variant. On other transcripts: intron variant (3).
Genome position (GRCh38, 1-based): chr1:23,044,448, A>G. VCF-style: chr1-23044448-A-G. GRCh37 (hg19) VCF-style: chr1-23370941-A-G.
Other names: c.539A>G, p.Asp180Gly (NM_001410762.1); c.518-5939A>G (NM_001363654.2, NM_001410763.1, NM_015013.4); short protein forms D180G.
Identifiers: ClinVar variation 4841913 (VCV004841913.1).